The following is an entry in ClinVar:

ClinVar aggregate classification (germline): Uncertain significance (1 of 4 stars; one submission).

Submission:

Ambry Genetics
Classification: Uncertain significance. Last evaluated: 2024-12-20. Review status: criteria provided, single submitter. Criteria: Ambry Variant Classification Scheme 2023. Collection method: clinical testing. Allele origin: germline.
Comment: The p.R65S variant (also known as c.193C>A), located in coding exon 2 of the ILK gene, results from a C to A substitution at nucleotide position 193. The arginine at codon 65 is replaced by serine, an amino acid with dissimilar properties. This amino acid position is conserved. In addition, the in silico prediction for this alteration is inconclusive. Based on the available evidence, the clinical significance of this variant remains unclear.

NM_004517.4(ILK):c.193C>A (p.Arg65Ser)

Genes: ILK (integrin linked kinase; plus strand), TAF10 (TATA-box binding protein associated factor 10; minus strand). Cytogenetic location: 11p15.4.
Variant type: single nucleotide variant.
Coding change: c.193C>A on transcript NM_004517.4 (MANE Select); coding-DNA position 193, C replaced by A.
Protein change: p.Arg65Ser; replaces arginine 65 with serine.
Molecular consequence: missense variant. On other transcripts: 3 prime UTR variant (1), intron variant (1).
Genome position (GRCh38, 1-based): chr11:6,608,149, C>A. VCF-style: chr11-6608149-C-A. GRCh37 (hg19) VCF-style: chr11-6629379-C-A.
Other names: c.193C>A, p.Arg65Ser (NM_001014794.3, NM_001014795.3, NM_001278441.2); c.*2773G>T (NM_006284.4); c.-147-245C>A (NM_001278442.2); short protein forms R65S.
Identifiers: ClinVar variation 3860404 (VCV003860404.1).